The following is an entry in ClinVar:

NM_015967.8(PTPN22):c.718A>G (p.Ile240Val)

Genes: AP4B1-AS1 (AP4B1 antisense RNA 1; plus strand), PTPN22 (protein tyrosine phosphatase non-receptor type 22; minus strand). Cytogenetic location: 1p13.2.
Variant type: single nucleotide variant.
Coding change: c.718A>G on transcript NM_015967.8 (MANE Select); coding-DNA position 718, A replaced by G.
Protein change: p.Ile240Val; replaces isoleucine 240 with valine.
Molecular consequence: missense variant.
Genome position (GRCh38, 1-based): chr1:113,854,503, T>C on the plus strand (A>G on the coding strand, the complement: PTPN22 is on the minus strand). VCF-style: chr1-113854503-T-C. GRCh37 (hg19) VCF-style: chr1-114397125-T-C.
Other names: c.718A>G, p.Ile240Val (NM_001193431.3, NM_012411.6); c.646A>G, p.Ile216Val (NM_001308297.2); short protein forms I216V, I240V.
Identifiers: ClinVar variation 3374926 (VCV003374926.1).

ClinVar aggregate classification (germline): Uncertain significance (1 of 4 stars; one submission).

gnomAD v4.1: 3 of 1,613,990 alleles (0.00019%); highest among the groups gnomAD compares: Middle Eastern, 0.016%; no homozygotes.

Submission:

Women's Health and Genetics/Laboratory Corporation of America, LabCorp
Classification: Uncertain significance. Last evaluated: 2024-09-10. Review status: criteria provided, single submitter. Criteria: LabCorp Variant Classification Summary - May 2015. Collection method: clinical testing. Allele origin: germline.
Comment: Variant summary: PTPN22 c.718A>G (p.Ile240Val) results in a conservative amino acid change located in the Tyrosine-specific protein phosphatase, PTPase domain (IPR000242) of the encoded protein sequence. Four of five in-silico tools predict a benign effect of the variant on protein function. The variant was absent in 251392 control chromosomes. The available data on variant occurrences in the general population are insufficient to allow any conclusion about variant significance. To our knowledge, no occurrence of c.718A>G in individuals affected with PTPN22-Related Disorders and no experimental evidence demonstrating its impact on protein function have been reported. No submitters have cited clinical-significance assessments for this variant to ClinVar. Based on the evidence outlined above, the variant was classified as uncertain significance.